The following is an entry in ClinVar:

NC_000004.12:g.(?_122947213)_(122979406_?)dup

Gene: AFG2A (AFG2 AAA ATPase homolog A; plus strand). Cytogenetic location: 4q28.1.
Variant type: Duplication.
Identifiers: ClinVar variation 830470 (VCV000830470.2).

ClinVar aggregate classification (germline): Uncertain significance (1 of 4 stars; one submission).

Conditions:
Microcephaly-intellectual disability-sensorineural hearing loss-epilepsy-abnormal muscle tone syndrome (NEDHSB). Also called: NEURODEVELOPMENTAL DISORDER WITH HEARING LOSS, SEIZURES, AND BRAIN ABNORMALITIES. Identifiers: Orphanet 457351, MedGen C4225276, MONDO:0014698, OMIM 616577.

Submission:

Labcorp Genetics (formerly Invitae), Labcorp
Classification: Uncertain significance for Microcephaly-intellectual disability-sensorineural hearing loss-epilepsy-abnormal muscle tone syndrome. Last evaluated: 2022-08-22. Review status: criteria provided, single submitter. Criteria: Invitae Variant Classification Sherloc (09022015). Collection method: clinical testing. Allele origin: germline.
Comment: This variant results in a copy number gain of the genomic region encompassing exon(s) 9-10 of the SPATA5 gene. While the exact position of this variant cannot be determined from the data, sub-genic copy number gains are generally in tandem (PMID: 25640679). This variant is predicted to be in-frame, and likely preserves the integrity of the reading frame. This variant has not been reported in the literature in individuals affected with SPATA5-related conditions. In summary, the available evidence is currently insufficient to determine the role of this variant in disease. Therefore, it has been classified as a Variant of Uncertain Significance.

Literature cited by the submitters: PubMed 25640679.